The following is an entry in ClinVar:

NM_005654.6(NR2F1):c.763dup (p.Thr255fs)

Gene: NR2F1 (nuclear receptor subfamily 2 group F member 1; plus strand). Cytogenetic location: 5q15.
Variant type: Duplication.
Coding change: c.763dup on transcript NM_005654.6 (MANE Select); coding-DNA position 763, one base duplicated (A; older notation c.763dupA).
Protein change: p.Thr255fs; shifts the reading frame from threonine 255.
Molecular consequence: frameshift variant.
Genome position (GRCh38, 1-based): chr5:93,588,216, A duplicated. VCF-style (leftmost placement, unchanged base first): chr5-93588215-C-CA. GRCh37 (hg19) VCF-style: chr5-92923921-C-CA.
Other names: c.313dup, p.Thr105fs (NM_001410754.1); short protein forms T105fs, T255fs.
Identifiers: ClinVar variation 3377104 (VCV003377104.1).
Genomic context (GRCh38, chr5:93,588,215, plus strand): 5'-CCGCAACATCCCCTTCTTCCCGGATCTGCAGATCACCGACCAGGTGTCCCTGCTACGCCT[C>CA]ACCTGGAGCGAGCTGTTCGTGCTCAACGCGGCCCAGTGCTCTATGCCGCTGCACGTGGCG-3'

ClinVar aggregate classification (germline): Pathogenic (1 of 4 stars; one submission).

Conditions:
Bosch-Boonstra-Schaaf optic atrophy syndrome (BBSOAS). Also called: NR2F1-Related Neurodevelopmental Disorder. Identifiers: Orphanet 401777, MedGen C3810363, MONDO:0014320, OMIM 615722.

Submission:

Victorian Clinical Genetics Services, Murdoch Childrens Research Institute
Classification: Pathogenic for Bosch-Boonstra-Schaaf optic atrophy syndrome. Last evaluated: 2024-10-10. Review status: criteria provided, single submitter. Criteria: ACMG Guidelines, 2015. Collection method: clinical testing. Allele origin: germline. Inheritance: Autosomal dominant inheritance. Affected: yes.
Comment: Based on the classification scheme VCGS_Germline_v1.3.5, this variant is classified as Pathogenic. Following criteria are met: 0102 - Loss of function is a known mechanism of disease in this gene and is associated with Bosch-Boonstra-Schaaf optic atrophy syndrome (MIM#615722). Dominant negative has also been proposed as a likely mechanism for some missense variants found in the DNA-binding domain (PMID: 26986877). (I) 0107 - This gene is associated with autosomal dominant disease. (I) 0204 - Variant is predicted to result in a truncated protein (premature termination codon is NOT located at least 54 nucleotides upstream of the final exon-exon junction) with at least 1/3 of the protein sequence affected. (SP) 0251 - This variant is heterozygous. (I) 0301 - Variant is absent from gnomAD (v2, v3 and v4). (SP) 0600 - Variant is predicted to truncate part of the hormone_recep domain (DECIPHER). (I) 0701 - Other protein truncating variants comparable to the one identified in this case has very strong previous evidence for pathogenicity (DECIPHER). (SP) 0807 - This variant has no previous evidence of pathogenicity. (I) 0905 - No published segregation evidence has been identified for this variant. (I) 1007 - No published functional evidence has been identified for this variant. (SP) Legend: (SP) - Supporting pathogenic, (I) - Information, (SB) - Supporting benign

Literature cited by the submitters: PubMed 26986877.